The following is an entry in ClinVar:

NM_000260.4(MYO7A):c.1952T>C (p.Leu651Pro)

Gene: MYO7A (myosin VIIA; plus strand). Cytogenetic location: 11q13.5.
Variant type: single nucleotide variant.
Coding change: c.1952T>C on transcript NM_000260.4 (MANE Select); coding-DNA position 1952, T replaced by C.
Protein change: p.Leu651Pro; replaces leucine 651 with proline.
Molecular consequence: missense variant.
Genome position (GRCh38, 1-based): chr11:77,174,772, T>C. VCF-style: chr11-77174772-T-C. GRCh37 (hg19) VCF-style: chr11-76885818-T-C.
Other names: c.1952T>C, p.Leu651Pro (NM_001127180.2); c.1919T>C, p.Leu640Pro (NM_001369365.1); short protein forms L651P, L640P.
Identifiers: ClinVar variation 226432 (VCV000226432.5), dbSNP rs876657416, ClinGen allele CA10576350.

ClinVar aggregate classification (germline): Uncertain significance. Review status: criteria provided, multiple submitters, no conflicts (2 of 4 stars). 3 submissions from 3 submitters: Uncertain significance (2). 1 of the submissions does not count toward it. Last evaluated 2024-03-07.

Conditions:
Usher syndrome type 1 (USH1). Also called: RETINITIS PIGMENTOSA AND CONGENITAL DEAFNESS. Identifiers: Orphanet 231169, Orphanet 886, MedGen C1568247, MONDO:0010168, OMIM 276900.

Allele frequency attached by ClinVar (database versions not stated): gnomAD exomes 0.00001 and 0.00002; gnomAD 0.00001; TOPMed below 0.00001.

Submissions (3):

Women's Health and Genetics/Laboratory Corporation of America, LabCorp
Classification: Uncertain significance. Last evaluated: 2024-03-07. Review status: criteria provided, single submitter. Criteria: LabCorp Variant Classification Summary - May 2015. Collection method: clinical testing. Allele origin: germline.
Comment: Variant summary: MYO7A c.1952T>C (p.Leu651Pro) results in a non-conservative amino acid change located in the Myosin head, motor domain (IPR001609) of the encoded protein sequence. Five of five in-silico tools predict a damaging effect of the variant on protein function. The variant allele was found at a frequency of 8.9e-06 in 225054 control chromosomes (gnomAD). The available data on variant occurrences in the general population are insufficient to allow any conclusion about variant significance. c.1952T>C has been reported in the literature in individuals affected with features of Usher Syndrome (Liu_1998). This report does not provide unequivocal conclusions about association of the variant with Usher Syndrome. To our knowledge, no experimental evidence demonstrating an impact on protein function has been reported. The following publication has been ascertained in the context of this evaluation (PMID: 9718356). ClinVar contains an entry for this variant (Variation ID: 226432). Based on the evidence outlined above, the variant was classified as uncertain significance.

Blueprint Genetics
Classification: Uncertain significance. Last evaluated: 2022-06-09. Review status: criteria provided, single submitter. Criteria: ACMG Guidelines, 2015. Collection method: clinical testing. Allele origin: germline.

GeneReviews
No classification provided. Condition: Usher syndrome type 1. Review status: no classification provided. Collection method: literature only. Allele origin: germline. Affected: yes. Not counted in ClinVar's aggregate classification.

Literature cited by the submitters: PubMed 9718356 (cited by Women's Health and Genetics/Laboratory Corporation of America, LabCorp); NCBI Bookshelf NBK1265 (cited by GeneReviews).